The following is an entry in ClinVar:

ClinVar aggregate classification (germline): Uncertain significance. Review status: criteria provided, multiple submitters, no conflicts (2 of 4 stars). 4 submissions from 4 submitters: Uncertain significance (3). 1 of the submissions does not count toward it. Last evaluated 2022-04-29.

Conditions:
Cardiovascular phenotype. Identifiers: MedGen CN230736.
Alstrom syndrome (ALMS). Identifiers: Orphanet 64, MedGen C0268425, MONDO:0008763, OMIM 203800.

Allele frequency attached by ClinVar (database versions not stated): gnomAD exomes below 0.00001.
gnomAD v4.1: 1 of 1,613,832 alleles (0.000062%); highest among the groups gnomAD compares: Non-Finnish European, 0.000085%; no homozygotes.

Submissions (4):

Ambry Genetics
Classification: Uncertain significance for Cardiovascular phenotype. Last evaluated: 2022-04-29. Review status: criteria provided, single submitter. Criteria: Ambry Variant Classification Scheme 2023. Collection method: clinical testing. Allele origin: germline.
Comment: The p.K3293T variant (also known as c.9878A>C), located in coding exon 12 of the ALMS1 gene, results from an A to C substitution at nucleotide position 9878. The lysine at codon 3293 is replaced by threonine, an amino acid with similar properties. This amino acid position is well conserved in available vertebrate species; however, threonine is the reference amino acid in other vertebrate species. In addition, this alteration is predicted to be tolerated by in silico analysis. Since supporting evidence is limited at this time, the clinical significance of this alteration remains unclear.

Fulgent Genetics
Classification: Uncertain significance for Alstrom syndrome. Last evaluated: 2022-02-03. Review status: criteria provided, single submitter. Criteria: ACMG Guidelines, 2015. Collection method: clinical testing. Allele origin: unknown.

GeneDx
Classification: Uncertain significance. Last evaluated: 2020-08-17. Review status: criteria provided, single submitter. Criteria: GeneDx Variant Classification Process June 2021. Collection method: clinical testing. Allele origin: germline. Affected: yes.
Comment: Not observed at a significant frequency in large population cohorts (Lek et al., 2016); In silico analysis supports that this missense variant has a deleterious effect on protein structure/function; Has not been previously published as pathogenic or benign to our knowledge

Natera, Inc.
Classification: Uncertain significance for Alstrom syndrome. Last evaluated: 2020-11-12. Review status: no assertion criteria provided. Collection method: clinical testing. Allele origin: germline. Not counted in ClinVar's aggregate classification.

NM_001378454.1(ALMS1):c.9875A>C (p.Lys3292Thr)

Gene: ALMS1 (ALMS1 centrosome and basal body associated protein; plus strand). Cytogenetic location: 2p13.1.
Variant type: single nucleotide variant.
Coding change: c.9875A>C on transcript NM_001378454.1 (MANE Select); coding-DNA position 9875, A replaced by C.
Protein change: p.Lys3292Thr; replaces lysine 3292 with threonine.
Molecular consequence: missense variant.
Genome position (GRCh38, 1-based): chr2:73,534,917, A>C. VCF-style: chr2-73534917-A-C. GRCh37 (hg19) VCF-style: chr2-73762044-A-C.
Other names: c.9878A>C, p.Lys3293Thr (NM_015120.4); short protein forms K3292T, K3293T.
Identifiers: ClinVar variation 1218559 (VCV001218559.7), dbSNP rs959966297, ClinGen allele CA50350595.
Genomic context (GRCh38, chr2:73,534,917, plus strand): 5'-GTAGTACCAAGATGTATTATGTTCCACAATTAAGACAAATTCCTCCATCTCCGGATTCCA[A>C]ATCAGATACCACCGTTGAAAGCTCCCATTCAGGTATTATGCAGAAATTATTCGAAGTTTT-3'
Protein context (NP_001365383.1, residues 3282-3302): LRQIPPSPDS[Lys3292Thr]SDTTVESSHS